The following is an entry in ClinVar:

NM_002124.4(HLA-DRB1):c.33C>T (p.Cys11=)

Gene: HLA-DRB1 (major histocompatibility complex, class II, DR beta 1; minus strand). Cytogenetic location: 6p21.32.
Variant type: single nucleotide variant.
Coding change: c.33C>T on transcript NM_002124.4 (MANE Select); coding-DNA position 33, C replaced by T.
Protein change: p.Cys11=; no amino-acid change (cysteine 11 retained).
Molecular consequence: synonymous variant.
Genome position (GRCh38, 1-based): chr6:32,589,710, G>A on the plus strand (C>T on the coding strand, the complement: HLA-DRB1 is on the minus strand). VCF-style: chr6-32589710-G-A. GRCh37 (hg19) VCF-style: chr6-32557487-G-A.
Identifiers: ClinVar variation 2656467 (VCV002656467.24), dbSNP rs34396110, ClinGen allele CA3743574.

ClinVar aggregate classification (germline): Likely benign (1 of 4 stars; one submission).

Allele frequency attached by ClinVar (database versions not stated): gnomAD 0.00099; 1000 Genomes Project 30x 0.00187; ExAC 0.00256.

Submission:

CeGaT Center for Human Genetics Tuebingen
Classification: Likely benign. Last evaluated: 2023-08-01. Review status: criteria provided, single submitter. Criteria: CeGaT Center For Human Genetics Tuebingen Variant Classification Criteria Version 2. Collection method: clinical testing. Allele origin: germline. Affected: yes. Observed: 2 variant alleles.
Comment: HLA-DRB1: BP4, BP7